The following is an entry in ClinVar:

ClinVar aggregate classification (germline): Pathogenic (1 of 4 stars; one submission).

Conditions:
Intellectual developmental disorder, autosomal recessive 18, with or without epilepsy. Also called: Intellectual disability, autosomal recessive 18. Identifiers: Orphanet 88616, MedGen C3280265, MONDO:0013651, OMIM 614249.

Allele frequency attached by ClinVar (database versions not stated): gnomAD exomes 0.00001 and below 0.00001; TOPMed 0.00003; ExAC 0.00002; gnomAD 0.00002; ESP Exome Variant Server 0.00008.

Submission:

Baylor Genetics
Classification: Pathogenic for Intellectual developmental disorder, autosomal recessive 18, with or without epilepsy. Last evaluated: 2018-08-09. Review status: criteria provided, single submitter. Criteria: ACMG Guidelines, 2015. Collection method: clinical testing. Allele origin: unknown. Affected: yes.
Comment: This variant was determined to be pathogenic according to ACMG Guidelines, 2015 [PMID:25741868].

NM_004830.4(MED23):c.2832dup (p.Val945fs)

Gene: MED23 (mediator complex subunit 23; minus strand). Cytogenetic location: 6q23.2.
Variant type: Duplication.
Coding change: c.2832dup on transcript NM_004830.4 (MANE Select); coding-DNA position 2832, one base duplicated (T; older notation c.2832dupT).
Protein change: p.Val945fs; shifts the reading frame from valine 945.
Molecular consequence: frameshift variant.
Genome position (GRCh38, 1-based): chr6:131,596,110, A duplicated on the plus strand (T on the coding strand, the reverse complement: MED23 is on the minus strand). VCF-style (leftmost placement, unchanged base first): chr6-131596109-C-CA. GRCh37 (hg19) VCF-style: chr6-131917249-C-CA.
Other names: c.2832dup, p.Val945fs (NM_001270521.2, NM_001270522.2); c.2850dup, p.Val951fs (NM_001376517.1, NM_015979.4); c.2778dup, p.Val927fs (NM_001376518.1); c.2694dup, p.Val899fs (NM_001376519.1, NM_001376521.1); c.2691dup, p.Val898fs (NM_001376520.1); c.2661dup, p.Val888fs (NM_001376522.1); c.2577dup, p.Val860fs (NM_001376523.1); c.2445dup, p.Val816fs (NM_001376524.1); short protein forms V860fs, V927fs, V888fs, V898fs, V945fs, V816fs, V899fs, V951fs.
Identifiers: ClinVar variation 1032717 (VCV001032717.1), dbSNP rs771485728, ClinGen allele CA3999736.